The following is an entry in ClinVar:

NM_033109.4(PNPT1):c.-25C>G

Genes: PNPT1 (polyribonucleotide nucleotidyltransferase 1; minus strand), LOC129933771 (ATAC-STARR-seq lymphoblastoid active region 15786; plus strand). Cytogenetic location: 2p16.1.
Variant type: single nucleotide variant.
Coding change: c.-25C>G on transcript NM_033109.4; 25 bases upstream of the start codon, C replaced by G.
Genome position (GRCh38, 1-based): chr2:55,693,848, G>C on the plus strand (C>G on the coding strand, the complement: PNPT1 is on the minus strand). VCF-style: chr2-55693848-G-C. GRCh37 (hg19) VCF-style: chr2-55920983-G-C.
Identifiers: ClinVar variation 388275 (VCV000388275.3), dbSNP rs753568920, ClinGen allele CA1668670.

ClinVar aggregate classification (germline): Likely benign (1 of 4 stars; one submission).

Allele frequency attached by ClinVar (database versions not stated): gnomAD exomes below 0.00001 and 0.00001; gnomAD 0.00001; ExAC 0.00001.

Submission:

GeneDx
Classification: Likely benign. Last evaluated: 2016-08-05. Review status: criteria provided, single submitter. Criteria: GeneDx Variant Classification (06012015). Collection method: clinical testing. Allele origin: germline. Affected: yes.
Comment: This variant is considered likely benign or benign based on one or more of the following criteria: it is a conservative change, it occurs at a poorly conserved position in the protein, it is predicted to be benign by multiple in silico algorithms, and/or has population frequency not consistent with disease.